The following is an entry in ClinVar:

NM_005535.3(IL12RB1):c.125-117C>T

Gene: IL12RB1 (interleukin 12 receptor subunit beta 1; minus strand). Cytogenetic location: 19p13.11.
Variant type: single nucleotide variant.
Coding change: c.125-117C>T on transcript NM_005535.3 (MANE Select); 117 bases into the intron before coding-DNA position 125, C replaced by T.
Molecular consequence: intron variant.
Genome position (GRCh38, 1-based): chr19:18,082,381, G>A on the plus strand (C>T on the coding strand, the complement: IL12RB1 is on the minus strand). VCF-style: chr19-18082381-G-A. GRCh37 (hg19) VCF-style: chr19-18193191-G-A.
Other names: c.245-117C>T (NM_001290024.2, NM_001440427.1, NM_001440426.1); c.125-117C>T (NM_001290023.2, NM_001440425.1, NM_001440424.1 and 1 more transcripts).
Identifiers: ClinVar variation 2688457 (VCV002688457.2), dbSNP rs2305743, ClinGen allele CA14698771.
Genomic context (GRCh38, chr19:18,082,381, plus strand): 5'-CTAAGACAAATCTTTGTGATGCTTACATCTTTCAGCGTCACCTCAGCCTAAACCCTCCCC[G>A]CGTCCTTCCTACCTCATCCCCTGCCGTCTCTCACCTCAACCTATTCCGAATCCTCAGCCT-3'

ClinVar aggregate classification (germline): Benign (1 of 4 stars; one submission).

Allele frequency attached by ClinVar (database versions not stated): 1000 Genomes Project 0.14677; 1000 Genomes Project 30x 0.14866; TOPMed 0.17850; gnomAD 0.18758; gnomAD exomes 0.19299.

Submission:

Unidad de Genómica Garrahan, Hospital de Pediatría Garrahan
Classification: Benign. Last evaluated: 2024-01-24. Review status: criteria provided, single submitter. Criteria: ACMG Guidelines, 2015. Collection method: clinical testing. Allele origin: germline. Affected: no. Observed: 27 variant alleles.
Comment: This variant is classified as Benign based on local population frequency. This variant was detected in 31% of patients studied by a panel of primary immunodeficiencies. Number of patients: 27. Only high quality variants are reported.